The following is an entry in ClinVar:

NM_012233.3(RAB3GAP1):c.2290-1G>C

Gene: RAB3GAP1 (RAB3 GTPase activating protein catalytic subunit 1; plus strand). Cytogenetic location: 2q21.3.
Variant type: single nucleotide variant.
Coding change: c.2290-1G>C on transcript NM_012233.3 (MANE Select); the canonical splice acceptor site of the intron before coding-DNA position 2290, G replaced by C.
Molecular consequence: splice acceptor variant.
Genome position (GRCh38, 1-based): chr2:135,162,554, G>C. VCF-style: chr2-135162554-G-C. GRCh37 (hg19) VCF-style: chr2-135920124-G-C.
Other names: c.2290-1G>C (NM_001172435.2).
Identifiers: ClinVar variation 2908547 (VCV002908547.3), dbSNP rs2468278834, ClinGen allele CA348584533.

ClinVar aggregate classification (germline): Likely pathogenic (1 of 4 stars; one submission).

Allele frequency attached by ClinVar (database versions not stated): gnomAD exomes below 0.00001.
gnomAD v4.1: 1 of 1,612,652 alleles (0.000062%); highest among the groups gnomAD compares: Non-Finnish European, 0.000085%; no homozygotes.

Submission:

Labcorp Genetics (formerly Invitae), Labcorp
Classification: Likely pathogenic. Last evaluated: 2023-10-15. Review status: criteria provided, single submitter. Criteria: Invitae Variant Classification Sherloc (09022015). Collection method: clinical testing. Allele origin: germline.
Comment: This sequence change affects an acceptor splice site in intron 19 of the RAB3GAP1 gene. It is expected to disrupt RNA splicing. Variants that disrupt the donor or acceptor splice site typically lead to a loss of protein function (PMID: 16199547), and loss-of-function variants in RAB3GAP1 are known to be pathogenic (PMID: 23420520). This variant is not present in population databases (gnomAD no frequency). This variant has not been reported in the literature in individuals affected with RAB3GAP1-related conditions. Algorithms developed to predict the effect of sequence changes on RNA splicing suggest that this variant may disrupt the consensus splice site. In summary, the currently available evidence indicates that the variant is pathogenic, but additional data are needed to prove that conclusively. Therefore, this variant has been classified as Likely Pathogenic.

Literature cited by the submitters: PubMed 16199547; PubMed 23420520.